The following is an entry in ClinVar:

NM_145117.5(NAV2):c.4885-7T>C

Gene: NAV2 (neuron navigator 2; plus strand). Cytogenetic location: 11p15.1.
Variant type: single nucleotide variant.
Coding change: c.4885-7T>C on transcript NM_145117.5 (MANE Select); 7 bases into the intron before coding-DNA position 4885, T replaced by C.
Molecular consequence: intron variant.
Genome position (GRCh38, 1-based): chr11:20,068,179, T>C. VCF-style: chr11-20068179-T-C. GRCh37 (hg19) VCF-style: chr11-20089725-T-C.
Other names: c.4693-7T>C (NM_001111018.2); c.5053-7T>C (NM_001244963.2); c.4885-7T>C (NM_182964.6); c.2077-7T>C (NM_001111019.3).
Identifiers: ClinVar variation 3056585 (VCV003056585.2), dbSNP rs78814418, ClinGen allele CA5918886.
Genomic context (GRCh38, chr11:20,068,179, plus strand): 5'-CGATGGGCTGGACTACACTATTCTTTGTTCCTTAACTGGTCTAATTTCCTTTATGTTTTC[T>C]TTACAGCCAGAAGAAAAATGCCAGTCAGAGGTAAGGAACAGCTTTCTGGTTGGATTTCCT-3'

ClinVar aggregate classification (germline): Benign (0 of 4 stars; one submission).

Conditions:
NAV2-related disorder. Also called: NAV2-related condition.

Allele frequency attached by ClinVar (database versions not stated): gnomAD exomes 0.00464; ESP Exome Variant Server 0.00592; gnomAD 0.01153; ExAC 0.01313; TOPMed 0.01440; 1000 Genomes Project 30x 0.02608; 1000 Genomes Project 0.02656.
gnomAD v4.1: 8,754 of 1,613,916 alleles (0.54%); highest among the groups gnomAD compares: East Asian, 9.6%; 278 homozygotes.

Submission:

PreventionGenetics, part of Exact Sciences
Classification: Benign for NAV2-related condition. Last evaluated: 2020-01-02. Review status: no assertion criteria provided. Collection method: clinical testing. Allele origin: germline.
Comment: This variant is classified as benign based on ACMG/AMP sequence variant interpretation guidelines (Richards et al. 2015 PMID: 25741868, with internal and published modifications).